The following is an entry in ClinVar:

ClinVar aggregate classification (germline): Uncertain significance (1 of 4 stars; one submission).

Conditions:
Pyridoxine-dependent epilepsy (EPEO4). Also called: Pyridoxine-Dependent Epilepsy - ALDH7A1; EPILEPSY, EARLY-ONSET, 4, VITAMIN B6-DEPENDENT; PYRIDOXINE DEPENDENCY WITH SEIZURES; Pyridoxine-Dependent Seizures. Identifiers: Orphanet 3006, MedGen C1849508, MONDO:0009945, OMIM 266100. Disease mechanism: loss of function.

Allele frequency attached by ClinVar (database versions not stated): gnomAD exomes below 0.00001.
gnomAD v4.1: 2 of 1,613,008 alleles (0.00012%); highest among the groups gnomAD compares: South Asian, 0.0022%; no homozygotes.

Submission:

Labcorp Genetics (formerly Invitae), Labcorp
Classification: Uncertain significance for Pyridoxine-dependent epilepsy. Last evaluated: 2019-02-18. Review status: criteria provided, single submitter. Criteria: Invitae Variant Classification Sherloc (09022015). Collection method: clinical testing. Allele origin: germline.
Comment: In summary, the available evidence is currently insufficient to determine the role of this variant in disease. Therefore, it has been classified as a Variant of Uncertain Significance. Algorithms developed to predict the effect of missense changes on protein structure and function are either unavailable or do not agree on the potential impact of this missense change (SIFT: "Tolerated"; PolyPhen-2: "Possibly Damaging"; Align-GVGD: "Class C15"). This variant has not been reported in the literature in individuals with ALDH7A1-related conditions. This variant is not present in population databases (ExAC no frequency). This sequence change replaces serine with phenylalanine at codon 224 of the ALDH7A1 protein (p.Ser224Phe). The serine residue is moderately conserved and there is a large physicochemical difference between serine and phenylalanine.

NM_001182.5(ALDH7A1):c.671C>T (p.Ser224Phe)

Gene: ALDH7A1 (aldehyde dehydrogenase 7 family member A1; minus strand). Cytogenetic location: 5q23.2.
Variant type: single nucleotide variant.
Coding change: c.671C>T on transcript NM_001182.5 (MANE Select); coding-DNA position 671, C replaced by T.
Protein change: p.Ser224Phe; replaces serine 224 with phenylalanine.
Molecular consequence: missense variant.
Genome position (GRCh38, 1-based): chr5:126,575,444, G>A on the plus strand (C>T on the coding strand, the complement: ALDH7A1 is on the minus strand). VCF-style: chr5-126575444-G-A. GRCh37 (hg19) VCF-style: chr5-125911136-G-A.
Other names: c.587C>T, p.Ser196Phe (NM_001201377.2); c.671C>T, p.Ser224Phe (NM_001202404.2); short protein forms S224F, S196F.
Identifiers: ClinVar variation 850539 (VCV000850539.10), dbSNP rs1389146330, ClinGen allele CA360730405.